The following is an entry in ClinVar:

ClinVar aggregate classification (germline): Uncertain significance (1 of 4 stars; one submission).

Conditions:
Early-infantile DEE. Also called: Ohtahara syndrome; Early infantile epileptic encephalopathy with suppression bursts; Early infantile epileptic encephalopathy. Identifiers: Orphanet 1934, MedGen C0393706, MONDO:0800491.

Allele frequency attached by ClinVar (database versions not stated): gnomAD exomes below 0.00001; TOPMed 0.00002.
gnomAD v4.1: 2 of 1,613,920 alleles (0.00012%); highest among the groups gnomAD compares: Non-Finnish European, 0.00017%; no homozygotes.

Submission:

Labcorp Genetics (formerly Invitae), Labcorp
Classification: Uncertain significance for Early-infantile DEE. Last evaluated: 2024-11-11. Review status: criteria provided, single submitter. Criteria: Invitae Variant Classification Sherloc (09022015). Collection method: clinical testing. Allele origin: germline.
Comment: This sequence change replaces arginine, which is basic and polar, with histidine, which is basic and polar, at codon 422 of the CACNA2D2 protein (p.Arg422His). This variant is not present in population databases (gnomAD no frequency). This variant has not been reported in the literature in individuals affected with CACNA2D2-related conditions. ClinVar contains an entry for this variant (Variation ID: 1053324). An algorithm developed to predict the effect of missense changes on protein structure and function (PolyPhen-2) suggests that this variant is likely to be disruptive. In summary, the available evidence is currently insufficient to determine the role of this variant in disease. Therefore, it has been classified as a Variant of Uncertain Significance.

NM_006030.4(CACNA2D2):c.1265G>A (p.Arg422His)

Gene: CACNA2D2 (calcium voltage-gated channel auxiliary subunit alpha2delta 2; minus strand). Cytogenetic location: 3p21.31.
Variant type: single nucleotide variant.
Coding change: c.1265G>A on transcript NM_006030.4 (MANE Select); coding-DNA position 1265, G replaced by A.
Protein change: p.Arg422His; replaces arginine 422 with histidine.
Molecular consequence: missense variant.
Genome position (GRCh38, 1-based): chr3:50,378,989, C>T on the plus strand (G>A on the coding strand, the complement: CACNA2D2 is on the minus strand). VCF-style: chr3-50378989-C-T. GRCh37 (hg19) VCF-style: chr3-50416420-C-T.
Other names: c.1265G>A, p.Arg422His (NM_001005505.3, NM_001174051.3); c.1058G>A, p.Arg353His (NM_001291101.1); short protein forms R353H, R422H.
Identifiers: ClinVar variation 1053324 (VCV001053324.5), dbSNP rs1465295956, ClinGen allele CA352931680.
Genomic context (GRCh38, chr3:50,378,989, plus strand): 5'-GCCATCCACTGCAGCGGTGTGACGTCATAGTTATGCTGCCCCACGGAGAAAGTAAACACG[C>T]GCACCTGTGGGGGGTTTGAGGTTACTGCTGTGGCCACCAGGGGACAGCCCTCTTCTGTAC-3'
Protein context (NP_006021.2, residues 412-432): EKYNWPNRTV[Arg422His]VFTFSVGQHN